The following is an entry in ClinVar:

NM_004994.3(MMP9):c.836A>G (p.Gln279Arg)

Gene: MMP9 (matrix metallopeptidase 9; plus strand). Cytogenetic location: 20q13.12.
Variant type: single nucleotide variant.
Coding change: c.836A>G on transcript NM_004994.3 (MANE Select); coding-DNA position 836, A replaced by G.
Protein change: p.Gln279Arg; replaces glutamine 279 with arginine.
Molecular consequence: missense variant.
Genome position (GRCh38, 1-based): chr20:46,011,586, A>G. VCF-style: chr20-46011586-A-G. GRCh37 (hg19) VCF-style: chr20-44640225-A-G.
Other names: short protein forms Q279R.
Identifiers: ClinVar variation 338550 (VCV000338550.18), dbSNP rs17576, ClinGen allele CA9886546.

ClinVar aggregate classification (germline): Benign. Review status: criteria provided, multiple submitters, no conflicts (2 of 4 stars). 6 submissions from 6 submitters: Benign (6). Last evaluated 2026-02-04.

Conditions:
Metaphyseal anadysplasia 2 (MANDP2). Also called: Metaphyseal anadysplasia 2, autosomal recessive. Identifiers: Orphanet 1040, MedGen C2751322, MONDO:0013113, OMIM 613073.

Allele frequency attached by ClinVar (database versions not stated): gnomAD exomes 0.38925 and 0.37041; ExAC 0.39202; 1000 Genomes Project 30x 0.44144; 1000 Genomes Project 0.45547; ESP Exome Variant Server 0.34784; TOPMed 0.35501; gnomAD 0.35912 and 0.36786.

Submissions (6):

Labcorp Genetics (formerly Invitae), Labcorp
Classification: Benign. Last evaluated: 2026-02-04. Review status: criteria provided, single submitter. Criteria: Invitae Variant Classification Sherloc (09022015). Collection method: clinical testing. Allele origin: germline.

Blueprint Genetics
Classification: Benign. Last evaluated: 2024-11-28. Review status: criteria provided, single submitter. Criteria: ACMG Guidelines, 2015. Collection method: clinical testing. Allele origin: germline.

Genome-Nilou Lab
Classification: Benign for Metaphyseal anadysplasia 2. Last evaluated: 2021-09-05. Review status: criteria provided, single submitter. Criteria: ACMG Guidelines, 2015. Collection method: clinical testing. Allele origin: germline. Affected: no.

Illumina Laboratory Services, Illumina
Classification: Benign for Metaphyseal anadysplasia 2. Last evaluated: 2018-01-13. Review status: criteria provided, single submitter. Criteria: ICSL Variant Classification Criteria 13 December 2019. Collection method: clinical testing. Allele origin: germline.
Comment: This variant was observed in the ICSL laboratory as part of a predisposition screen in an ostensibly healthy population. It had not been previously curated by ICSL or reported in the Human Gene Mutation Database (HGMD: prior to June 1st, 2018), and was therefore a candidate for classification through an automated scoring system. Utilizing variant allele frequency, disease prevalence and penetrance estimates, and inheritance mode, an automated score was calculated to assess if this variant is too frequent to cause the disease. Based on the score and internal cut-off values, a variant classified as benign is not then subjected to further curation. The score for this variant resulted in a classification of benign for this disease.

GeneDx
Classification: Benign. Last evaluated: 2015-03-03. Review status: criteria provided, single submitter. Criteria: GeneDx Variant Classification Process June 2021. Collection method: clinical testing. Allele origin: germline. Affected: yes.
Comment: This variant is associated with the following publications: (PMID: 20181264, 18455130, 20144500, 21844877, 19279308, 21655354, 16709939, 28453874, 21085059)

Breakthrough Genomics
Classification: Benign. Review status: criteria provided, single submitter. Criteria: ACMG Guidelines, 2015. Collection method: not provided. Allele origin: germline. Inheritance: Autosomal recessive inheritance. Affected: yes.